The following is an entry in ClinVar:

ClinVar aggregate classification (germline): Uncertain significance. Review status: criteria provided, single submitter (1 of 4 stars). 2 submissions from 2 submitters: Uncertain significance (1). 1 of the submissions does not count toward it. Last evaluated 2022-06-21.

Conditions:
Maple syrup urine disease, mild variant (MSUDMV). Identifiers: Orphanet 511, MedGen C3554575, MONDO:0014057, OMIM 615135.

Submissions (2):

Labcorp Genetics (formerly Invitae), Labcorp
Classification: Uncertain significance for Maple syrup urine disease, mild variant. Last evaluated: 2022-06-21. Review status: criteria provided, single submitter. Criteria: Invitae Variant Classification Sherloc (09022015). Collection method: clinical testing. Allele origin: germline.
Comment: This sequence change creates a premature translational stop signal (p.Thr140Profs*12) in the PPM1K gene. It is expected to result in an absent or disrupted protein product. However, the current clinical and genetic evidence is not sufficient to establish whether loss-of-function variants in PPM1K cause disease. This variant is present in population databases (rs757046744, gnomAD 0.1%), and has an allele count higher than expected for a pathogenic variant. This premature translational stop signal has been observed in individual(s) with Maple syrup urine disease (PMID: 23086801). Algorithms developed to predict the effect of variants on protein structure and function are not available or were not evaluated for this variant. Experimental studies have shown that this premature translational stop signal affects PPM1K function (PMID: 23086801). In summary, the available evidence is currently insufficient to determine the role of this variant in disease. Therefore, it has been classified as a Variant of Uncertain Significance.

OMIM
Classification: Pathogenic for MAPLE SYRUP URINE DISEASE, MILD VARIANT. Last evaluated: 2013-02-01. Review status: no assertion criteria provided. Collection method: literature only. Allele origin: germline. Not counted in ClinVar's aggregate classification.

Literature cited by the submitters: PubMed 23086801 (cited by Labcorp Genetics (formerly Invitae), Labcorp and OMIM).

NM_152542.5(PPM1K):c.417_418del (p.Thr140fs)

Gene: PPM1K (protein phosphatase, Mg2+/Mn2+ dependent 1K; minus strand). Cytogenetic location: 4q22.1.
Variant type: Deletion.
Coding change: c.417_418del on transcript NM_152542.5 (MANE Select); coding-DNA positions 417 to 418, 2 bases deleted (TA; older notation c.417_418delTA).
Protein change: p.Thr140fs; shifts the reading frame from threonine 140.
Molecular consequence: frameshift variant.
Genome position (GRCh38, 1-based): chr4:88,278,166-88,278,167, TA deleted on the plus strand (TA on the coding strand, the reverse complement: PPM1K is on the minus strand); deleting any 2 consecutive bases within chr4:88,278,166-88,278,168 gives the same sequence; the c. name uses the placement nearest the transcript's 3' end. VCF-style (leftmost placement, unchanged base first): chr4-88278165-GTA-G. GRCh37 (hg19) VCF-style: chr4-89199317-GTA-G.
Other names: short protein forms T140fs.
Identifiers: ClinVar variation 41439 (VCV000041439.7), dbSNP rs757046744, ClinGen allele CA3005308.